The following is an entry in ClinVar:

ClinVar aggregate classification (germline): Uncertain significance. Review status: criteria provided, multiple submitters, no conflicts (2 of 4 stars). 2 submissions from 2 submitters: Uncertain significance (2). Last evaluated 2025-01-08.

Conditions:
Joubert syndrome 21 (JBTS21). Identifiers: MedGen C3810212, MONDO:0014288, OMIM 615636.
Inborn genetic diseases. Identifiers: MedGen C0950123, MeSH D030342.

Allele frequency attached by ClinVar (database versions not stated): gnomAD exomes 0.00001; ExAC 0.00002; gnomAD 0.00007; TOPMed 0.00008.
gnomAD v4.1: 25 of 1,600,464 alleles (0.0016%); highest among the groups gnomAD compares: African/African-American, 0.03%; no homozygotes.

Submissions (2):

Ambry Genetics
Classification: Uncertain significance for Inborn genetic diseases. Last evaluated: 2025-01-08. Review status: criteria provided, single submitter. Criteria: Ambry Variant Classification Scheme 2023. Collection method: clinical testing. Allele origin: germline.

Labcorp Genetics (formerly Invitae), Labcorp
Classification: Uncertain significance for Joubert syndrome 21. Last evaluated: 2022-08-22. Review status: criteria provided, single submitter. Criteria: Invitae Variant Classification Sherloc (09022015). Collection method: clinical testing. Allele origin: germline.
Comment: This sequence change replaces proline, which is neutral and non-polar, with serine, which is neutral and polar, at codon 92 of the CSPP1 protein (p.Pro92Ser). This variant is present in population databases (rs765095778, gnomAD 0.03%). This variant has not been reported in the literature in individuals affected with CSPP1-related conditions. Algorithms developed to predict the effect of missense changes on protein structure and function are either unavailable or do not agree on the potential impact of this missense change (SIFT: "Deleterious"; PolyPhen-2: "Probably Damaging"; Align-GVGD: "Class C0"). In summary, the available evidence is currently insufficient to determine the role of this variant in disease. Therefore, it has been classified as a Variant of Uncertain Significance.

NM_001382391.1(CSPP1):c.166C>T (p.Pro56Ser)

Gene: CSPP1 (centrosome and spindle pole associated protein 1; plus strand). Cytogenetic location: 8q13.1.
Variant type: single nucleotide variant.
Coding change: c.166C>T on transcript NM_001382391.1 (MANE Select); coding-DNA position 166, C replaced by T.
Protein change: p.Pro56Ser; replaces proline 56 with serine.
Molecular consequence: missense variant.
Genome position (GRCh38, 1-based): chr8:67,076,548, C>T. VCF-style: chr8-67076548-C-T. GRCh37 (hg19) VCF-style: chr8-67988783-C-T.
Other names: c.166C>T, p.Pro56Ser (NM_001363131.2, NM_001363132.2, NM_001363133.2); c.274C>T, p.Pro92Ser (NM_001364869.1, NM_001364870.1, NM_024790.7); short protein forms P92S, P56S.
Identifiers: ClinVar variation 2166414 (VCV002166414.2), dbSNP rs765095778, ClinGen allele CA4770151.